The following is an entry in ClinVar:

ClinVar aggregate classification (germline): Conflicting classifications of pathogenicity. Review status: criteria provided, conflicting classifications (1 of 4 stars). 5 submissions from 4 submitters: Uncertain significance (4); Benign (1). Last evaluated 2024-02-05.

Conditions:
Autosomal recessive ataxia, Beauce type. Also called: Spinocerebellar ataxia, autosomal recessive 8; ATAXIA, RECESSIVE, OF BEAUCE; SYNE1-Related Autosomal Recessive Cerebellar Ataxia; SYNE1 Deficiency. Identifiers: Orphanet 88644, MedGen C1853116, MONDO:0012549, OMIM 610743.
Emery-Dreifuss muscular dystrophy 4, autosomal dominant (EDMD4). Also called: EMERY-DREIFUSS MUSCULAR DYSTROPHY 4 WITH VARIABLE FEATURES. Identifiers: Orphanet 261, MedGen C2751807, MONDO:0013071, OMIM 612998.

Allele frequency attached by ClinVar (database versions not stated): gnomAD 0.00001 and 0.00002; ExAC 0.00002; gnomAD exomes 0.00002; TOPMed 0.00002.

Submissions (5):

Labcorp Genetics (formerly Invitae), Labcorp
Classification: Uncertain significance for Emery-Dreifuss muscular dystrophy 4, autosomal dominant; Autosomal recessive ataxia, Beauce type. Last evaluated: 2024-02-05. Review status: criteria provided, single submitter. Criteria: Invitae Variant Classification Sherloc (09022015). Collection method: clinical testing. Allele origin: germline.
Comment: This sequence change replaces arginine, which is basic and polar, with tryptophan, which is neutral and slightly polar, at codon 8494 of the SYNE1 protein (p.Arg8494Trp). This variant is present in population databases (rs764235096, gnomAD 0.006%). This missense change has been observed in individual(s) with global developmental delay (PMID: 36703223). ClinVar contains an entry for this variant (Variation ID: 281853). An algorithm developed to predict the effect of missense changes on protein structure and function (PolyPhen-2) suggests that this variant is likely to be disruptive. In summary, the available evidence is currently insufficient to determine the role of this variant in disease. Therefore, it has been classified as a Variant of Uncertain Significance.

Dubai Health Genomic Medicine Center, Dubai Health
Classification: Uncertain significance. Last evaluated: 2022-12-17. Review status: criteria provided, single submitter. Criteria: ACMG Guidelines, 2015. Collection method: clinical testing. Allele origin: germline. Affected: yes.

Illumina Laboratory Services, Illumina
Classification: Benign for Emery-Dreifuss muscular dystrophy 4, autosomal dominant. Last evaluated: 2018-01-12. Review status: criteria provided, single submitter. Criteria: ICSL Variant Classification Criteria 13 December 2019. Collection method: clinical testing. Allele origin: germline.
Comment: This variant was observed in the ICSL laboratory as part of a predisposition screen in an ostensibly healthy population. It had not been previously curated by ICSL or reported in the Human Gene Mutation Database (HGMD: prior to June 1st, 2018), and was therefore a candidate for classification through an automated scoring system. Utilizing variant allele frequency, disease prevalence and penetrance estimates, and inheritance mode, an automated score was calculated to assess if this variant is too frequent to cause the disease. Based on the score and internal cut-off values, a variant classified as benign is not then subjected to further curation. The score for this variant resulted in a classification of benign for this disease.

Illumina Laboratory Services, Illumina
Classification: Uncertain significance for Autosomal recessive ataxia, Beauce type. Last evaluated: 2018-01-12. Review status: criteria provided, single submitter. Criteria: ICSL Variant Classification Criteria 13 December 2019. Collection method: clinical testing. Allele origin: germline.

Eurofins Ntd Llc (ga)
Classification: Uncertain significance. Last evaluated: 2015-07-23. Review status: criteria provided, single submitter. Criteria: EGL Classification Definitions 2015. Collection method: clinical testing. Allele origin: germline. Observed: 1 variant allele, 1 heterozygote.

Literature cited by the submitters: PubMed 36703223 (cited by Labcorp Genetics (formerly Invitae), Labcorp).

NM_182961.4(SYNE1):c.25624C>T (p.Arg8542Trp)

Gene: SYNE1 (spectrin repeat containing nuclear envelope protein 1; minus strand). Cytogenetic location: 6q25.2.
Variant type: single nucleotide variant.
Coding change: c.25624C>T on transcript NM_182961.4 (MANE Select); coding-DNA position 25624, C replaced by T.
Protein change: p.Arg8542Trp; replaces arginine 8542 with tryptophan.
Molecular consequence: missense variant.
Genome position (GRCh38, 1-based): chr6:152,136,653, G>A on the plus strand (C>T on the coding strand, the complement: SYNE1 is on the minus strand). VCF-style: chr6-152136653-G-A. GRCh37 (hg19) VCF-style: chr6-152457788-G-A.
Other names: c.2230C>T, p.Arg744Trp (NM_001347701.2); c.2158C>T, p.Arg720Trp (NM_001347702.2); c.25480C>T, p.Arg8494Trp (NM_033071.5); short protein forms R8494W, R8542W, R744W, R720W.
Identifiers: ClinVar variation 281853 (VCV000281853.14), dbSNP rs764235096, ClinGen allele CA4052785.
Genomic context (GRCh38, chr6:152,136,653, plus strand): 5'-ACCTCCTGCCCAAAGCTCTACAGACCTGGCACTGCATCAGGGCATCCTGCAGCAGGCCCC[G>A]CCACTCCTCCAGCAGAGAGCACACTCGGTCCCAGCGCCCATTCATCTGCGACAAGCGATC-3'
Protein context (NP_892006.3, residues 8532-8552): DRVCSLLEEW[Arg8542Trp]GLLQDALMQC